The following is an entry in ClinVar:

NM_001723.7(DST):c.5057C>T (p.Ala1686Val)

Gene: DST (dystonin; minus strand). Cytogenetic location: 6p12.1.
Variant type: single nucleotide variant.
Coding change: c.5057C>T on transcript NM_001723.7 (MANE Plus Clinical); coding-DNA position 5057, C replaced by T.
Protein change: p.Ala1686Val; replaces alanine 1686 with valine.
Molecular consequence: missense variant. On other transcripts: intron variant (10).
Genome position (GRCh38, 1-based): chr6:56,618,977, G>A on the plus strand (C>T on the coding strand, the complement: DST is on the minus strand). VCF-style: chr6-56618977-G-A. GRCh37 (hg19) VCF-style: chr6-56483775-G-A.
Other names: c.4831-4493C>T (NM_001144769.5); c.4930-4493C>T (NM_001374722.1, NM_001374736.1); c.4957-4493C>T (NM_001374734.1); c.4417-4493C>T (NM_001144770.2); c.4297-4493C>T (NM_001374730.1, NM_001386100.1, NM_183380.4 and 1 more transcripts); c.3319-4493C>T (NM_015548.5); short protein forms A1686V.
Identifiers: ClinVar variation 3375930 (VCV003375930.1).

ClinVar aggregate classification (germline): Uncertain significance (1 of 4 stars; one submission).

gnomAD v4.1: 4 of 1,613,986 alleles (0.00025%); highest among the groups gnomAD compares: Middle Eastern, 0.016%; no homozygotes.

Submission:

GeneDx
Classification: Uncertain significance. Last evaluated: 2024-05-06. Review status: criteria provided, single submitter. Criteria: GeneDx Variant Classification Process June 2021. Collection method: clinical testing. Allele origin: germline. Affected: yes.
Comment: Not observed at significant frequency in large population cohorts (gnomAD); In silico analysis indicates that this missense variant does not alter protein structure/function; Has not been previously published as pathogenic or benign to our knowledge; Reported using the transcript encoding the epithelial isoform of the gene.